The following is an entry in ClinVar:

ClinVar aggregate classification (germline): Benign/Likely benign. Review status: criteria provided, multiple submitters, no conflicts (2 of 4 stars). 8 submissions from 8 submitters: Benign (5); Likely benign (3). Last evaluated 2026-02-01.

Conditions:
Fanconi anemia complementation group P. Also called: SLX4-Related Fanconi Anemia. Identifiers: Orphanet 84, MedGen C3469542, MONDO:0013499, OMIM 613951.
Fanconi anemia (FA). Also called: Fanconi's anemia. Identifiers: Orphanet 84, MedGen C0015625, MeSH D005199, MONDO:0019391.

Allele frequency attached by ClinVar (database versions not stated): gnomAD exomes 0.00090 and 0.00233; ExAC 0.00282; gnomAD 0.00904 and 0.00968; 1000 Genomes Project 0.01058; TOPMed 0.01074; 1000 Genomes Project 30x 0.01109; ESP Exome Variant Server 0.01131.
gnomAD v4.1: 2,739 of 1,614,054 alleles (0.17%); highest among the groups gnomAD compares: African/African-American, 3.2%; 37 homozygotes.

Submissions (8):

Labcorp Genetics (formerly Invitae), Labcorp
Classification: Benign for Fanconi anemia. Last evaluated: 2026-02-01. Review status: criteria provided, single submitter. Criteria: Invitae Variant Classification Sherloc (09022015). Collection method: clinical testing. Allele origin: germline.

ARUP Laboratories, Molecular Genetics and Genomics, ARUP Laboratories
Classification: Benign for Fanconi anemia complementation group P. Last evaluated: 2024-12-20. Review status: criteria provided, single submitter. Criteria: ARUP Molecular Germline Variant Investigation Process 2024. Collection method: clinical testing. Allele origin: germline.

KCCC/NGS Laboratory, Kuwait Cancer Control Center
Classification: Benign for Fanconi anemia complementation group P. Last evaluated: 2023-07-07. Review status: criteria provided, single submitter. Criteria: ACMG Guidelines, 2015. Collection method: clinical testing. Allele origin: germline. Affected: yes.

GeneDx
Classification: Likely benign. Last evaluated: 2020-12-11. Review status: criteria provided, single submitter. Criteria: GeneDx Variant Classification Process June 2021. Collection method: clinical testing. Allele origin: germline. Affected: yes.

Illumina Laboratory Services, Illumina
Classification: Benign for Fanconi anemia complementation group P. Last evaluated: 2018-01-13. Review status: criteria provided, single submitter. Criteria: ICSL Variant Classification Criteria 13 December 2019. Collection method: clinical testing. Allele origin: germline.
Comment: This variant was observed in the ICSL laboratory as part of a predisposition screen in an ostensibly healthy population. It had not been previously curated by ICSL or reported in the Human Gene Mutation Database (HGMD: prior to June 1st, 2018), and was therefore a candidate for classification through an automated scoring system. Utilizing variant allele frequency, disease prevalence and penetrance estimates, and inheritance mode, an automated score was calculated to assess if this variant is too frequent to cause the disease. Based on the score and internal cut-off values, a variant classified as benign is not then subjected to further curation. The score for this variant resulted in a classification of benign for this disease.

Center for Pediatric Genomic Medicine, Children's Mercy Hospital and Clinics
Classification: Likely benign. Last evaluated: 2017-02-08. Review status: criteria provided, single submitter. Criteria: ACMG Guidelines, 2015. Collection method: clinical testing. Allele origin: germline.
ClinVar note: Converted during submission from Likely Benign to Likely benign.

Breakthrough Genomics
Classification: Likely benign. Review status: criteria provided, single submitter. Criteria: ACMG Guidelines, 2015. Collection method: not provided. Allele origin: germline. Inheritance: Autosomal recessive inheritance. Affected: yes.

PreventionGenetics, part of Exact Sciences
Classification: Benign. Review status: criteria provided, single submitter. Criteria: ACMG Guidelines, 2015. Collection method: clinical testing. Allele origin: germline.

NM_032444.4(SLX4):c.2746G>T (p.Ala916Ser)

Gene: SLX4 (SLX4 structure-specific endonuclease subunit; minus strand). Cytogenetic location: 16p13.3.
Variant type: single nucleotide variant.
Coding change: c.2746G>T on transcript NM_032444.4 (MANE Select); coding-DNA position 2746, G replaced by T.
Protein change: p.Ala916Ser; replaces alanine 916 with serine.
Molecular consequence: missense variant.
Genome position (GRCh38, 1-based): chr16:3,590,892, C>A on the plus strand (G>T on the coding strand, the complement: SLX4 is on the minus strand). VCF-style: chr16-3590892-C-A. GRCh37 (hg19) VCF-style: chr16-3640893-C-A.
Other names: c.2746G>T (LRG_503t1, NM_032444.3); short protein forms A916S.
Identifiers: ClinVar variation 241674 (VCV000241674.22), dbSNP rs79448721, ClinGen allele CA7866084.